The following is an entry in ClinVar:

NM_001267550.2(TTN):c.68854del (p.Thr22951_Ile22952insTer)

Genes: TTN (titin; minus strand), TTN-AS1 (TTN antisense RNA 1; plus strand). Cytogenetic location: 2q31.2.
Variant type: Deletion.
Coding change: c.68854del on transcript NM_001267550.2 (MANE Select); coding-DNA position 68854, one base deleted (A; older notation c.68854delA).
Protein change: p.Thr22951_Ile22952insTer.
Molecular consequence: nonsense.
Genome position (GRCh38, 1-based): chr2:178,577,481, T deleted on the plus strand (A on the coding strand, the reverse complement: TTN is on the minus strand); the first of 2 consecutive T bases (chr2:178,577,481-178,577,482); deleting either gives the same sequence. VCF-style (leftmost placement, unchanged base first): chr2-178577480-AT-A. GRCh37 (hg19) VCF-style: chr2-179442207-AT-A.
Other names: c.63931del, p.Thr21310_Ile21311insTer (NM_001256850.1); c.41659del, p.Thr13886_Ile13887insTer (NM_003319.4); c.61150del, p.Thr20383_Ile20384insTer (NM_133378.4); c.42034del, p.Thr14011_Ile14012insTer (NM_133432.3); c.42235del, p.Thr14078_Ile14079insTer (NM_133437.4).
Identifiers: ClinVar variation 2086674 (VCV002086674.4), dbSNP rs2468782120, ClinGen allele CA2580064950.

ClinVar aggregate classification (germline): Likely pathogenic (1 of 4 stars; one submission).

Conditions:
Dilated cardiomyopathy 1G (CMD1G). Identifiers: Orphanet 154, MedGen C1858763, MONDO:0011400, OMIM 604145.
Autosomal recessive limb-girdle muscular dystrophy type 2J (LGMDR10). Also called: Limb-girdle muscular dystrophy, type 2J; MUSCULAR DYSTROPHY, LIMB-GIRDLE, AUTOSOMAL RECESSIVE 10. Identifiers: Orphanet 140922, MedGen C1837342, MONDO:0012127, OMIM 608807.

Submission:

Labcorp Genetics (formerly Invitae), Labcorp
Classification: Likely pathogenic for Dilated cardiomyopathy 1G; Autosomal recessive limb-girdle muscular dystrophy type 2J. Last evaluated: 2022-01-17. Review status: criteria provided, single submitter. Criteria: Invitae Variant Classification Sherloc (09022015). Collection method: clinical testing. Allele origin: germline.
Comment: In summary, the currently available evidence indicates that the variant is pathogenic, but additional data are needed to prove that conclusively. Therefore, this variant has been classified as Likely Pathogenic. This variant is located in the A band of TTN (PMID: 25589632). Truncating variants in this region are significantly overrepresented in patients affected with dilated cardiomyopathy (PMID: 25589632). Truncating variants in this region have also been reported in individuals affected with autosomal recessive centronuclear myopathy (PMID: 23975875). This variant has not been reported in the literature in individuals affected with TTN-related conditions. This variant is not present in population databases (gnomAD no frequency). This sequence change creates a premature translational stop signal (p.Ile22952*) in the TTN gene. While this is not anticipated to result in nonsense mediated decay, it is expected to create a truncated TTN protein.

Literature cited by the submitters: PubMed 25589632; PubMed 23975875.